The following is an entry in ClinVar:

NM_002519.3(NPAT):c.4069C>A (p.Gln1357Lys)

Gene: NPAT (nuclear protein, coactivator of histone transcription; minus strand). Cytogenetic location: 11q22.3.
Variant type: single nucleotide variant.
Coding change: c.4069C>A on transcript NM_002519.3 (MANE Select); coding-DNA position 4069, C replaced by A.
Protein change: p.Gln1357Lys; replaces glutamine 1357 with lysine.
Molecular consequence: missense variant.
Genome position (GRCh38, 1-based): chr11:108,161,017, G>T on the plus strand (C>A on the coding strand, the complement: NPAT is on the minus strand). VCF-style: chr11-108161017-G-T. GRCh37 (hg19) VCF-style: chr11-108031744-G-T.
Other names: c.4090C>A, p.Gln1364Lys (NM_001321307.1); short protein forms Q1357K, Q1364K.
Identifiers: ClinVar variation 1737519 (VCV001737519.2), dbSNP rs2496693415, ClinGen allele CA382509442.

ClinVar aggregate classification (germline): Uncertain significance (1 of 4 stars; one submission).

Submission:

Ambry Genetics
Classification: Uncertain significance. Last evaluated: 2021-07-26. Review status: criteria provided, single submitter. Criteria: Ambry Variant Classification Scheme 2023. Collection method: clinical testing. Allele origin: germline.
Comment: The p.Q1357K variant (also known as c.4069C>A), located in coding exon 17 of the NPAT gene, results from a C to A substitution at nucleotide position 4069. The glutamine at codon 1357 is replaced by lysine, an amino acid with similar properties. This amino acid position is conserved. In addition, this alteration is predicted to be tolerated by in silico analysis. Since supporting evidence is limited at this time, the clinical significance of this alteration remains unclear.